The following is an entry in ClinVar:

NM_001031710.3(KLHL7):c.769C>T (p.Pro257Ser)

Gene: KLHL7 (kelch like family member 7; plus strand). Cytogenetic location: 7p15.3.
Variant type: single nucleotide variant.
Coding change: c.769C>T on transcript NM_001031710.3 (MANE Select); coding-DNA position 769, C replaced by T.
Protein change: p.Pro257Ser; replaces proline 257 with serine.
Molecular consequence: missense variant. On other transcripts: non-coding transcript variant (1).
Genome position (GRCh38, 1-based): chr7:23,144,001, C>T. VCF-style: chr7-23144001-C-T. GRCh37 (hg19) VCF-style: chr7-23183620-C-T.
Other names: c.625C>T, p.Pro209Ser (NM_018846.5); short protein forms P209S, P257S.
Identifiers: ClinVar variation 4809131 (VCV004809131.1).

ClinVar aggregate classification (germline): Uncertain significance (1 of 4 stars; one submission).

Submission:

Labcorp Genetics (formerly Invitae), Labcorp
Classification: Uncertain significance. Last evaluated: 2025-07-29. Review status: criteria provided, single submitter. Criteria: Invitae Variant Classification Sherloc (09022015). Collection method: clinical testing. Allele origin: germline.
Comment: This sequence change replaces proline, which is neutral and non-polar, with serine, which is neutral and polar, at codon 257 of the KLHL7 protein (p.Pro257Ser). This variant is not present in population databases (gnomAD no frequency). This variant has not been reported in the literature in individuals affected with KLHL7-related conditions. An algorithm developed to predict the effect of missense changes on protein structure and function (PolyPhen-2) suggests that this variant is likely to be disruptive. In summary, the available evidence is currently insufficient to determine the role of this variant in disease. Therefore, it has been classified as a Variant of Uncertain Significance.